The following is an entry in ClinVar:

ClinVar aggregate classification (germline): Benign/Likely benign. Review status: criteria provided, multiple submitters, no conflicts (2 of 4 stars). 3 submissions from 3 submitters: Benign (1); Likely benign (2). Last evaluated 2024-11-15.

Conditions:
Hereditary cancer-predisposing syndrome. Also called: Neoplastic Syndromes, Hereditary; Tumor predisposition; Hereditary Cancer Syndrome; Hereditary neoplastic syndrome. Identifiers: Orphanet 140162, MedGen C0027672, MeSH D009386, MONDO:0015356.
Renal cell carcinoma. Identifiers: Orphanet 217071, MedGen C0007134, MeSH D002292, MONDO:0005086, HP:0005584.
Papillary renal cell carcinoma type 1 (RCCP1). Also called: RENAL CELL CARCINOMA, PAPILLARY, 1, SOMATIC; Renal adenocarcinoma; Renal cell carcinoma 1; Renal cell carcinoma, somatic. Identifiers: Orphanet 47044, MedGen C1336839, OMIM 605074, HP:0011797.

Submissions (3):

Myriad Genetics, Inc.
Classification: Benign for Papillary renal cell carcinoma type 1. Last evaluated: 2024-11-15. Review status: criteria provided, single submitter. Criteria: Myriad Autosomal Dominant, Autosomal Recessive and X-Linked Classification Criteria (2023). Collection method: clinical testing. Allele origin: unknown.
Comment: This variant is considered benign. This variant is a silent/synonymous amino acid change and it is not expected to impact splicing.

Labcorp Genetics (formerly Invitae), Labcorp
Classification: Likely benign for Renal cell carcinoma. Last evaluated: 2023-11-06. Review status: criteria provided, single submitter. Criteria: Invitae Variant Classification Sherloc (09022015). Collection method: clinical testing. Allele origin: germline.

Ambry Genetics
Classification: Likely benign for Hereditary cancer-predisposing syndrome. Last evaluated: 2020-10-16. Review status: criteria provided, single submitter. Criteria: Ambry Variant Classification Scheme 2023. Collection method: clinical testing. Allele origin: germline.

NM_000245.4(MET):c.4047T>C (p.Tyr1349=)

Gene: MET (MET proto-oncogene, receptor tyrosine kinase; plus strand). Cytogenetic location: 7q31.2.
Variant type: single nucleotide variant.
Coding change: c.4047T>C on transcript NM_000245.4 (MANE Select); coding-DNA position 4047, T replaced by C.
Protein change: p.Tyr1349=; no amino-acid change (tyrosine 1349 retained).
Molecular consequence: synonymous variant.
Genome position (GRCh38, 1-based): chr7:116,795,998, T>C. VCF-style: chr7-116795998-T-C. GRCh37 (hg19) VCF-style: chr7-116436052-T-C.
Other names: c.4101T>C, p.Tyr1367= (NM_001127500.3); c.2757T>C, p.Tyr919= (NM_001324402.2).
Identifiers: ClinVar variation 1737861 (VCV001737861.6), dbSNP rs2117112084, ClinGen allele CA457462581.